The following is an entry in ClinVar:

ClinVar aggregate classification (germline): Uncertain significance. Review status: criteria provided, multiple submitters, no conflicts (2 of 4 stars). 4 submissions from 3 submitters: Uncertain significance (4). Last evaluated 2023-11-04.

Conditions:
Usher syndrome type 2A. Also called: USHER SYNDROME, TYPE IIA; RETINAL DISEASE IN USHER SYNDROME TYPE IIA, MODIFIER OF. Identifiers: Orphanet 231178, Orphanet 886, MedGen C1848634, MONDO:0010169, OMIM 276901.
Retinitis pigmentosa 39 (RP39). Identifiers: Orphanet 791, MedGen C3151138, MONDO:0013436, OMIM 613809.

Allele frequency attached by ClinVar (database versions not stated): gnomAD exomes below 0.00001; gnomAD 0.00001; TOPMed 0.00001; 1000 Genomes Project 0.00020; 1000 Genomes Project 30x 0.00031.
gnomAD v4.1: 2 of 1,613,692 alleles (0.00012%); highest among the groups gnomAD compares: Admixed American, 0.0017%; no homozygotes.

Submissions (4):

Genome-Nilou Lab
Classification: Uncertain significance for Retinitis pigmentosa 39. Last evaluated: 2023-11-04. Review status: criteria provided, single submitter. Criteria: ACMG Guidelines, 2015. Collection method: clinical testing. Allele origin: germline. Affected: no.

Genome-Nilou Lab
Classification: Uncertain significance for Usher syndrome type 2A. Last evaluated: 2023-11-04. Review status: criteria provided, single submitter. Criteria: ACMG Guidelines, 2015. Collection method: clinical testing. Allele origin: germline. Affected: no.

Labcorp Genetics (formerly Invitae), Labcorp
Classification: Uncertain significance. Last evaluated: 2022-09-27. Review status: criteria provided, single submitter. Criteria: Invitae Variant Classification Sherloc (09022015). Collection method: clinical testing. Allele origin: germline.
Comment: This sequence change replaces leucine, which is neutral and non-polar, with phenylalanine, which is neutral and non-polar, at codon 4944 of the USH2A protein (p.Leu4944Phe). This variant is present in population databases (rs556415914, gnomAD 0.004%). This variant has not been reported in the literature in individuals affected with USH2A-related conditions. ClinVar contains an entry for this variant (Variation ID: 289317). Advanced modeling of protein sequence and biophysical properties (such as structural, functional, and spatial information, amino acid conservation, physicochemical variation, residue mobility, and thermodynamic stability) performed at Invitae indicates that this missense variant is not expected to disrupt USH2A protein function. In summary, the available evidence is currently insufficient to determine the role of this variant in disease. Therefore, it has been classified as a Variant of Uncertain Significance.

Eurofins Ntd Llc (ga)
Classification: Uncertain significance. Last evaluated: 2016-08-08. Review status: criteria provided, single submitter. Criteria: EGL Classification Definitions 2015. Collection method: clinical testing. Allele origin: germline. Observed: 1 variant allele, 1 heterozygote.

NM_206933.4(USH2A):c.14832G>T (p.Leu4944Phe)

Gene: USH2A (usherin; minus strand). Cytogenetic location: 1q41.
Variant type: single nucleotide variant.
Coding change: c.14832G>T on transcript NM_206933.4 (MANE Select); coding-DNA position 14832, G replaced by T.
Protein change: p.Leu4944Phe; replaces leucine 4944 with phenylalanine.
Molecular consequence: missense variant.
Genome position (GRCh38, 1-based): chr1:215,640,694, C>A on the plus strand (G>T on the coding strand, the complement: USH2A is on the minus strand). VCF-style: chr1-215640694-C-A. GRCh37 (hg19) VCF-style: chr1-215814036-C-A.
Other names: short protein forms L4944F.
Identifiers: ClinVar variation 289317 (VCV000289317.7), dbSNP rs556415914, ClinGen allele CA1392905.